The following is an entry in ClinVar:

NM_001367624.2(ZNF469):c.1800G>A (p.Thr600=)

Gene: ZNF469 (zinc finger protein 469; plus strand). Cytogenetic location: 16q24.2.
Variant type: single nucleotide variant.
Coding change: c.1800G>A on transcript NM_001367624.2 (MANE Select); coding-DNA position 1800, G replaced by A.
Protein change: p.Thr600=; no amino-acid change (threonine 600 retained).
Molecular consequence: synonymous variant.
Genome position (GRCh38, 1-based): chr16:88,429,270, G>A. VCF-style: chr16-88429270-G-A. GRCh37 (hg19) VCF-style: chr16-88495678-G-A.
Other names: NM_001127464.1:c.1800G>A; p.Thr600=; NM_001127464.2:c.1800G>A.
Identifiers: ClinVar variation 513765 (VCV000513765.12), dbSNP rs768772320, ClinGen allele CA8224712.

ClinVar aggregate classification (germline): Likely benign. Review status: criteria provided, multiple submitters, no conflicts (2 of 4 stars). 7 submissions from 7 submitters: Likely benign (7). Last evaluated 2026-03-17.

Conditions:
Cardiovascular phenotype. Identifiers: MedGen CN230736.
ZNF469-related disorder. Also called: ZNF469-related condition.

Allele frequency attached by ClinVar (database versions not stated): ExAC 0.00007; TOPMed 0.00007; gnomAD 0.00009; gnomAD exomes 0.00020; 1000 Genomes Project 30x 0.00031.
gnomAD v4.1: 115 of 1,549,766 alleles (0.0074%); highest among the groups gnomAD compares: East Asian, 0.14%; no homozygotes.

Submissions (7):

Women's Health and Genetics/Laboratory Corporation of America, LabCorp
Classification: Likely benign. Last evaluated: 2026-03-17. Review status: criteria provided, single submitter. Criteria: LabCorp Variant Classification Summary - May 2015. Collection method: clinical testing. Allele origin: germline.

Labcorp Genetics (formerly Invitae), Labcorp
Classification: Likely benign. Last evaluated: 2026-01-06. Review status: criteria provided, single submitter. Criteria: Invitae Variant Classification Sherloc (09022015). Collection method: clinical testing. Allele origin: germline.

Mayo Clinic Laboratories, Mayo Clinic
Classification: Likely benign. Last evaluated: 2025-09-26. Review status: criteria provided, single submitter. Criteria: ACMG Guidelines, 2015. Collection method: clinical testing. Allele origin: germline. Observed: 2 variant alleles.
Comment: BS1, BP4, BP7

PreventionGenetics, part of Exact Sciences
Classification: Likely benign for ZNF469-related condition. Last evaluated: 2025-02-20. Review status: criteria provided, single submitter. Criteria: ACMG Guidelines, 2015. Collection method: clinical testing. Allele origin: germline.
Comment: This variant is classified as likely benign based on ACMG/AMP sequence variant interpretation guidelines (Richards et al. 2015 PMID: 25741868, with internal and published modifications).

Blueprint Genetics
Classification: Likely benign. Last evaluated: 2024-11-27. Review status: criteria provided, single submitter. Criteria: ACMG Guidelines, 2015. Collection method: clinical testing. Allele origin: germline.

GeneDx
Classification: Likely benign. Last evaluated: 2020-08-07. Review status: criteria provided, single submitter. Criteria: GeneDx Variant Classification Process June 2021. Collection method: clinical testing. Allele origin: germline. Affected: yes.

Ambry Genetics
Classification: Likely benign for Cardiovascular phenotype. Last evaluated: 2020-07-11. Review status: criteria provided, single submitter. Criteria: Ambry Variant Classification Scheme 2023. Collection method: clinical testing. Allele origin: germline.